The following is an entry in ClinVar:

ClinVar aggregate classification (germline): Conflicting classifications of pathogenicity. Review status: criteria provided, conflicting classifications (1 of 4 stars). 2 submissions from 2 submitters: Uncertain significance (1); Likely benign (1). Last evaluated 2024-02-01.

Conditions:
Smith-Lemli-Opitz syndrome (SLOS). Also called: LETHAL ACRODYSGENITAL SYNDROME; POLYDACTYLY, SEX REVERSAL, RENAL HYPOPLASIA, AND UNILOBAR LUNG; RSH SYNDROME; RUTLEDGE LETHAL MULTIPLE CONGENITAL ANOMALY SYNDROME; 7-Dehydrocholesterol reductase deficiency. Identifiers: Orphanet 818, MedGen C0175694, MONDO:0010035, OMIM 270400.

Allele frequency attached by ClinVar (database versions not stated): gnomAD exomes below 0.00001.

Submissions (2):

CeGaT Center for Human Genetics Tuebingen
Classification: Uncertain significance. Last evaluated: 2024-02-01. Review status: criteria provided, single submitter. Criteria: CeGaT Center For Human Genetics Tuebingen Variant Classification Criteria Version 2. Collection method: clinical testing. Allele origin: germline. Affected: yes. Observed: 1 variant allele.
Comment: DHCR7: PM2:Supporting, BP4

Labcorp Genetics (formerly Invitae), Labcorp
Classification: Likely benign for Smith-Lemli-Opitz syndrome. Last evaluated: 2022-07-19. Review status: criteria provided, single submitter. Criteria: Invitae Variant Classification Sherloc (09022015). Collection method: clinical testing. Allele origin: germline.

NM_001360.3(DHCR7):c.1254C>T (p.Tyr418=)

Gene: DHCR7 (7-dehydrocholesterol reductase; minus strand). Cytogenetic location: 11q13.4.
Variant type: single nucleotide variant.
Coding change: c.1254C>T on transcript NM_001360.3 (MANE Select); coding-DNA position 1254, C replaced by T.
Protein change: p.Tyr418=; no amino-acid change (tyrosine 418 retained).
Molecular consequence: synonymous variant.
Genome position (GRCh38, 1-based): chr11:71,435,549, G>A on the plus strand (C>T on the coding strand, the complement: DHCR7 is on the minus strand). VCF-style: chr11-71435549-G-A. GRCh37 (hg19) VCF-style: chr11-71146595-G-A.
Other names: c.1254C>T, p.Tyr418= (NM_001163817.2).
Identifiers: ClinVar variation 1647191 (VCV001647191.30), dbSNP rs1949267339, ClinGen allele CA475860997.